The following is an entry in ClinVar:

ClinVar aggregate classification (germline): Likely pathogenic (1 of 4 stars; one submission).

Conditions:
Mucopolysaccharidosis, MPS-III-A (MPS3A). Also called: Mucopolysaccharidosis type IIIA (Sanfilippo A); HEPARAN SULFATE SULFATASE DEFICIENCY; SANFILIPPO SYNDROME A; SULFAMIDASE DEFICIENCY; MPS III A; MUCOPOLYSACCHARIDOSIS, TYPE IIIA, ATTENUATED. Identifiers: Orphanet 581, Orphanet 79269, MedGen C0086647, MONDO:0009655, OMIM 252900.

Submission:

Myriad Genetics, Inc.
Classification: Likely pathogenic for Mucopolysaccharidosis, MPS-III-A. Last evaluated: 2022-01-07. Review status: criteria provided, single submitter. Criteria: Myriad Women's Health Autosomal Recessive and X-Linked Classification Criteria (2021). Collection method: clinical testing. Allele origin: unknown.
Comment: NM_000199.3(SGSH):c.341_342ins7(G115Lfs*23) is expected to be pathogenic in the context of mucopolysaccharidosis type IIIA. This variant is predicted to lead to an abnormal or absent protein product due to the creation of a premature termination codon in SGSH, a gene where loss-of-function variants are known to be pathogenic. Please note: this variant was assessed in the context of healthy population screening.

NM_000199.5(SGSH):c.341_342insGCTCACC (p.Gly115fs)

Gene: SGSH (N-sulfoglucosamine sulfohydrolase; minus strand). Cytogenetic location: 17q25.3.
Variant type: Insertion.
Coding change: c.341_342insGCTCACC on transcript NM_000199.5 (MANE Select); coding-DNA positions 341 to 342, GCTCACC inserted.
Protein change: p.Gly115fs; shifts the reading frame from glycine 115.
Molecular consequence: frameshift variant.
Genome position: GRCh38 VCF-style: chr17-80215046-A-AGGTGAGC. GRCh37 (hg19) VCF-style: chr17-78188845-A-AGGTGAGC.
Other names: c.341_342insGCTCACC, p.Gly115fs (NM_001352921.3, NM_001352922.2); short protein forms G115fs.
Identifiers: ClinVar variation 1726991 (VCV001726991.2), dbSNP rs2510897829, ClinGen allele CA2580095337.